The following is an entry in ClinVar:

ClinVar aggregate classification (germline): Uncertain significance (1 of 4 stars; one submission).

Submission:

GeneDx
Classification: Uncertain significance. Last evaluated: 2026-02-28. Review status: criteria provided, single submitter. Criteria: GeneDx Variant Classification Process June 2021. Collection method: clinical testing. Allele origin: germline.
Comment: Not observed at significant frequency in large population cohorts (gnomAD); In silico analysis supports that this missense variant has a deleterious effect on protein structure/function; Has not been previously published as pathogenic or benign to our knowledge

NM_005276.4(GPD1):c.442A>G (p.Met148Val)

Gene: GPD1 (glycerol-3-phosphate dehydrogenase 1; plus strand). Cytogenetic location: 12q13.12.
Variant type: single nucleotide variant.
Coding change: c.442A>G on transcript NM_005276.4 (MANE Select); coding-DNA position 442, A replaced by G.
Protein change: p.Met148Val; replaces methionine 148 with valine.
Molecular consequence: missense variant.
Genome position (GRCh38, 1-based): chr12:50,106,369, A>G. VCF-style: chr12-50106369-A-G. GRCh37 (hg19) VCF-style: chr12-50500152-A-G.
Other names: c.373A>G, p.Met125Val (NM_001257199.2); short protein forms M125V, M148V.
Identifiers: ClinVar variation 5008297 (VCV005008297.1).